The following is an entry in ClinVar:

NM_015102.5(NPHP4):c.3575G>A (p.Arg1192Gln)

Gene: NPHP4 (nephrocystin 4; minus strand). Cytogenetic location: 1p36.31.
Variant type: single nucleotide variant.
Coding change: c.3575G>A on transcript NM_015102.5 (MANE Select); coding-DNA position 3575, G replaced by A.
Protein change: p.Arg1192Gln; replaces arginine 1192 with glutamine.
Molecular consequence: missense variant. On other transcripts: non-coding transcript variant (1).
Genome position (GRCh38, 1-based): chr1:5,866,442, C>T on the plus strand (G>A on the coding strand, the complement: NPHP4 is on the minus strand). VCF-style: chr1-5866442-C-T. GRCh37 (hg19) VCF-style: chr1-5926502-C-T.
Other names: c.2036G>A, p.Arg679Gln (NM_001291593.2); c.2039G>A, p.Arg680Gln (NM_001291594.2); short protein forms R1192Q, R680Q, R679Q.
Identifiers: ClinVar variation 195976 (VCV000195976.13), dbSNP rs539967736, ClinGen allele CA242703.
Genomic context (GRCh38, chr1:5,866,442, plus strand): 5'-ATGACAAAGAAGTCTTTGATCTCCGGGCTTGGACCACTGGCCACCTTCAGAAATATGTCC[C>T]GTGGTTCCCCGGGGCCCTGCCAACCAGATGTGCAGCACATCAGGGCACACAGTGCTCTGC-3'
Protein context (NP_055917.1, residues 1182-1202): ETQNVGPGEP[Arg1192Gln]DIFLKVASGP

ClinVar aggregate classification (germline): Uncertain significance. Review status: criteria provided, multiple submitters, no conflicts (2 of 4 stars). 3 submissions from 3 submitters: Uncertain significance (3). Last evaluated 2021-12-26.

Conditions:
Nephronophthisis. Also called: Juvenile Nephronophthisis. Identifiers: Orphanet 655, MedGen C0687120, MONDO:0019005, HP:0000090.
Nephronophthisis 4 (NPHP4). Also called: NEPHRONOPHTHISIS 4, JUVENILE. Identifiers: Orphanet 655, MedGen C1847013, MONDO:0011752, OMIM 606966.
Senior-Loken syndrome 4 (SLSN4). Identifiers: Orphanet 3156, MedGen C1846979, MONDO:0011756, OMIM 606996.

Allele frequency attached by ClinVar (database versions not stated): gnomAD 0.00001 and 0.00003; gnomAD exomes 0.00002 and 0.00004; TOPMed 0.00003; ExAC 0.00008; 1000 Genomes Project 30x 0.00016; 1000 Genomes Project 0.00020.
gnomAD v4.1: 26 of 1,600,352 alleles (0.0016%); highest among the groups gnomAD compares: East Asian, 0.036%; no homozygotes.

Submissions (3):

Fulgent Genetics
Classification: Uncertain significance for Nephronophthisis 4; Senior-Loken syndrome 4. Last evaluated: 2021-12-26. Review status: criteria provided, single submitter. Criteria: ACMG Guidelines, 2015. Collection method: clinical testing. Allele origin: unknown.

Labcorp Genetics (formerly Invitae), Labcorp
Classification: Uncertain significance for Nephronophthisis. Last evaluated: 2019-12-09. Review status: criteria provided, single submitter. Criteria: Invitae Variant Classification Sherloc (09022015). Collection method: clinical testing. Allele origin: germline.
Comment: In summary, the available evidence is currently insufficient to determine the role of this variant in disease. Therefore, it has been classified as a Variant of Uncertain Significance. Algorithms developed to predict the effect of missense changes on protein structure and function output the following: SIFT: "Tolerated"; PolyPhen-2: "Benign"; Align-GVGD: "Class C0". The glutamine amino acid residue is found in multiple mammalian species, suggesting that this missense change does not adversely affect protein function. These predictions have not been confirmed by published functional studies and their clinical significance is uncertain. This variant has not been reported in the literature in individuals with NPHP4-related conditions. ClinVar contains an entry for this variant (Variation ID: 195976). This variant is present in population databases (rs539967736, ExAC 0.08%). This sequence change replaces arginine with glutamine at codon 1192 of the NPHP4 protein (p.Arg1192Gln). The arginine residue is moderately conserved and there is a small physicochemical difference between arginine and glutamine.

Eurofins Ntd Llc (ga)
Classification: Uncertain significance. Last evaluated: 2014-10-17. Review status: criteria provided, single submitter. Criteria: EGL Classification Definitions 2015. Collection method: clinical testing. Allele origin: germline. Observed: 1 variant allele, 1 heterozygote.